The following is an entry in ClinVar:

ClinVar aggregate classification (germline): Uncertain significance (1 of 4 stars; one submission).

Conditions:
Costello syndrome (CSTLO). Also called: FACIOCUTANEOSKELETAL SYNDROME; FCS SYNDROME; HRAS-Related Costello Syndrome. Identifiers: Orphanet 3071, MedGen C0587248, MONDO:0009026, OMIM 218040.

Submission:

Labcorp Genetics (formerly Invitae), Labcorp
Classification: Uncertain significance for Costello syndrome. Last evaluated: 2021-06-17. Review status: criteria provided, single submitter. Criteria: Invitae Variant Classification Sherloc (09022015). Collection method: clinical testing. Allele origin: germline.
Comment: In summary, the available evidence is currently insufficient to determine the role of this variant in disease. Therefore, it has been classified as a Variant of Uncertain Significance. Algorithms developed to predict the effect of missense changes on protein structure and function (SIFT, PolyPhen-2, Align-GVGD) all suggest that this variant is likely to be disruptive, but these predictions have not been confirmed by published functional studies and their clinical significance is uncertain. This variant has not been reported in the literature in individuals with HRAS-related disease. This variant is not present in population databases (ExAC no frequency). This sequence change replaces valine with glycine at codon 14 of the HRAS protein (p.Val14Gly). The valine residue is highly conserved and there is a moderate physicochemical difference between valine and glycine.

NM_005343.4(HRAS):c.41T>G (p.Val14Gly)

Genes: HRAS (HRas proto-oncogene, GTPase; minus strand), LRRC56 (leucine rich repeat containing 56; plus strand). Cytogenetic location: 11p15.5.
Variant type: single nucleotide variant.
Coding change: c.41T>G on transcript NM_005343.4 (MANE Select); coding-DNA position 41, T replaced by G.
Protein change: p.Val14Gly; replaces valine 14 with glycine.
Molecular consequence: missense variant. On other transcripts: 5 prime UTR variant (1).
Genome position (GRCh38, 1-based): chr11:534,282, A>C on the plus strand (T>G on the coding strand, the complement: HRAS is on the minus strand). VCF-style: chr11-534282-A-C. GRCh37 (hg19) VCF-style: chr11-534282-A-C.
Other names: c.41T>G, p.Val14Gly (NM_001130442.3, NM_176795.5); c.-279T>G (NM_001318054.2); short protein forms V14G.
Identifiers: ClinVar variation 654373 (VCV000654373.9), dbSNP rs1589793707, ClinGen allele CA378925982.